The following is an entry in ClinVar:

NM_005204.4(MAP3K8):c.948G>A (p.Thr316=)

Gene: MAP3K8 (mitogen-activated protein kinase kinase kinase 8; plus strand). Cytogenetic location: 10p11.23.
Variant type: single nucleotide variant.
Coding change: c.948G>A on transcript NM_005204.4 (MANE Select); coding-DNA position 948, G replaced by A.
Protein change: p.Thr316=; no amino-acid change (threonine 316 retained).
Molecular consequence: synonymous variant.
Genome position (GRCh38, 1-based): chr10:30,458,158, G>A. VCF-style: chr10-30458158-G-A. GRCh37 (hg19) VCF-style: chr10-30747087-G-A.
Other names: c.948G>A, p.Thr316= (NM_001244134.1, NM_001320961.2).
Identifiers: ClinVar variation 777423 (VCV000777423.14), dbSNP rs114464695, ClinGen allele CA5459765.

ClinVar aggregate classification (germline): Benign/Likely benign. Review status: criteria provided, multiple submitters, no conflicts (2 of 4 stars). 4 submissions from 4 submitters: Benign (2); Likely benign (1). 1 of the submissions does not count toward it. Last evaluated 2026-02-02.

Conditions:
MAP3K8-related disorder. Also called: MAP3K8-related condition.

Allele frequency attached by ClinVar (database versions not stated): gnomAD exomes 0.00044 and 0.00093; ExAC 0.00114; 1000 Genomes Project 0.00339; 1000 Genomes Project 30x 0.00359; gnomAD 0.00368 and 0.00394; ESP Exome Variant Server 0.00369; TOPMed 0.00417.

Submissions (4):

Labcorp Genetics (formerly Invitae), Labcorp
Classification: Benign. Last evaluated: 2026-02-02. Review status: criteria provided, single submitter. Criteria: Invitae Variant Classification Sherloc (09022015). Collection method: clinical testing. Allele origin: germline.

Blueprint Genetics
Classification: Likely benign. Last evaluated: 2024-11-18. Review status: criteria provided, single submitter. Criteria: ACMG Guidelines, 2015. Collection method: clinical testing. Allele origin: germline.

Breakthrough Genomics
Classification: Benign. Review status: criteria provided, single submitter. Criteria: ACMG Guidelines, 2015. Collection method: not provided. Allele origin: germline. Inheritance: Autosomal dominant inheritance. Affected: yes.

PreventionGenetics, part of Exact Sciences
Classification: Benign for MAP3K8-related condition. Last evaluated: 2019-10-15. Review status: no assertion criteria provided. Collection method: clinical testing. Allele origin: germline. Not counted in ClinVar's aggregate classification.
Comment: This variant is classified as benign based on ACMG/AMP sequence variant interpretation guidelines (Richards et al. 2015 PMID: 25741868, with internal and published modifications).